The following is an entry in ClinVar:

ClinVar aggregate classification (germline): Uncertain significance (1 of 4 stars; one submission).

Conditions:
DK1-congenital disorder of glycosylation. Also called: CDG Im; DOLK-congenital disorder of glycosylation; Carbohydrate deficient glycoprotein syndrome type 1m; DK1 DEFICIENCY; DOLICHOL KINASE DEFICIENCY; DK1-CDG. Identifiers: Orphanet 91131, MedGen C1835849, MONDO:0012556, OMIM 610768.

Allele frequency attached by ClinVar (database versions not stated): gnomAD exomes below 0.00001.
gnomAD v4.1: 3 of 1,614,052 alleles (0.00019%); highest among the groups gnomAD compares: Non-Finnish European, 0.00017%; no homozygotes.

Submission:

Labcorp Genetics (formerly Invitae), Labcorp
Classification: Uncertain significance for DK1-congenital disorder of glycosylation. Last evaluated: 2022-07-05. Review status: criteria provided, single submitter. Criteria: Invitae Variant Classification Sherloc (09022015). Collection method: clinical testing. Allele origin: germline.
Comment: This variant is not present in population databases (gnomAD no frequency). In summary, the available evidence is currently insufficient to determine the role of this variant in disease. Therefore, it has been classified as a Variant of Uncertain Significance. Algorithms developed to predict the effect of missense changes on protein structure and function (SIFT, PolyPhen-2, Align-GVGD) all suggest that this variant is likely to be disruptive. This variant has not been reported in the literature in individuals affected with DOLK-related conditions. This sequence change replaces arginine, which is basic and polar, with cysteine, which is neutral and slightly polar, at codon 297 of the DOLK protein (p.Arg297Cys).

NM_014908.4(DOLK):c.889C>T (p.Arg297Cys)

Gene: DOLK (dolichol kinase; minus strand). Cytogenetic location: 9q34.11.
Variant type: single nucleotide variant.
Coding change: c.889C>T on transcript NM_014908.4 (MANE Select); coding-DNA position 889, C replaced by T.
Protein change: p.Arg297Cys; replaces arginine 297 with cysteine.
Molecular consequence: missense variant.
Genome position (GRCh38, 1-based): chr9:128,946,415, G>A on the plus strand (C>T on the coding strand, the complement: DOLK is on the minus strand). VCF-style: chr9-128946415-G-A. GRCh37 (hg19) VCF-style: chr9-131708694-G-A.
Other names: short protein forms R297C.
Identifiers: ClinVar variation 2194789 (VCV002194789.4), dbSNP rs2492004131, ClinGen allele CA375121916.